The following is an entry in ClinVar:

NM_080680.3(COL11A2):c.362G>A (p.Arg121His)

Gene: COL11A2 (collagen type XI alpha 2 chain; minus strand). Cytogenetic location: 6p21.32.
Variant type: single nucleotide variant.
Coding change: c.362G>A on transcript NM_080680.3 (MANE Select); coding-DNA position 362, G replaced by A.
Protein change: p.Arg121His; replaces arginine 121 with histidine.
Molecular consequence: missense variant.
Genome position (GRCh38, 1-based): chr6:33,189,059, C>T on the plus strand (G>A on the coding strand, the complement: COL11A2 is on the minus strand). VCF-style: chr6-33189059-C-T. GRCh37 (hg19) VCF-style: chr6-33156836-C-T.
Other names: c.362G>A, p.Arg121His (NM_001163771.2, NM_080679.3, NM_080681.3); short protein forms R121H.
Identifiers: ClinVar variation 1403624 (VCV001403624.8), dbSNP rs148765616, ClinGen allele CA3751684.

ClinVar aggregate classification (germline): Uncertain significance. Review status: criteria provided, multiple submitters, no conflicts (2 of 4 stars). 2 submissions from 2 submitters: Uncertain significance (2). Last evaluated 2024-12-16.

Conditions:
Otospondylomegaepiphyseal dysplasia, autosomal recessive (OSMEDB). Also called: Insley-Astley syndrome; CHONDRODYSTROPHY WITH SENSORINEURAL DEAFNESS. Identifiers: Orphanet 1427, MedGen CN034493, MONDO:0044206, OMIM 215150.
Autosomal recessive nonsyndromic hearing loss 53. Identifiers: Orphanet 90636, MedGen C1864746, MONDO:0012333, OMIM 609706.
Autosomal dominant nonsyndromic hearing loss 13. Identifiers: Orphanet 90635, MedGen C1866095, MONDO:0011159, OMIM 601868.
Otospondylomegaepiphyseal dysplasia, autosomal dominant (OSMEDA). Also called: Pierre Robin syndrome with fetal chondrodysplasia; Stickler syndrome, type 3; COL11A2-Related Stickler Syndrome. Identifiers: Orphanet 166100, Orphanet 3450, MedGen C1848488, MONDO:0008490, OMIM 184840.
Fibrochondrogenesis 2 (FBCG2). Identifiers: Orphanet 2021, MedGen C3281128, MONDO:0013795, OMIM 614524.

Allele frequency attached by ClinVar (database versions not stated): gnomAD 0.00004.
gnomAD v4.1: 31 of 1,614,058 alleles (0.0019%); highest among the groups gnomAD compares: African/African-American, 0.0093%; no homozygotes.

Submissions (2):

Labcorp Genetics (formerly Invitae), Labcorp
Classification: Uncertain significance. Last evaluated: 2024-12-16. Review status: criteria provided, single submitter. Criteria: Invitae Variant Classification Sherloc (09022015). Collection method: clinical testing. Allele origin: germline.
Comment: This sequence change replaces arginine, which is basic and polar, with histidine, which is basic and polar, at codon 121 of the COL11A2 protein (p.Arg121His). This variant is present in population databases (rs148765616, gnomAD 0.01%). This variant has not been reported in the literature in individuals affected with COL11A2-related conditions. ClinVar contains an entry for this variant (Variation ID: 1403624). Invitae Evidence Modeling of protein sequence and biophysical properties (such as structural, functional, and spatial information, amino acid conservation, physicochemical variation, residue mobility, and thermodynamic stability) indicates that this missense variant is not expected to disrupt COL11A2 protein function with a negative predictive value of 95%. In summary, the available evidence is currently insufficient to determine the role of this variant in disease. Therefore, it has been classified as a Variant of Uncertain Significance.

Fulgent Genetics
Classification: Uncertain significance for Otospondylomegaepiphyseal dysplasia, autosomal dominant; Otospondylomegaepiphyseal dysplasia, autosomal recessive; Autosomal dominant nonsyndromic hearing loss 13; Autosomal recessive nonsyndromic hearing loss 53; Fibrochondrogenesis 2. Last evaluated: 2022-01-13. Review status: criteria provided, single submitter. Criteria: ACMG Guidelines, 2015. Collection method: clinical testing. Allele origin: unknown.